The following is an entry in ClinVar:

NM_000760.4(CSF3R):c.1795C>A (p.His599Asn)

Gene: CSF3R (colony stimulating factor 3 receptor; minus strand). Cytogenetic location: 1p34.3.
Variant type: single nucleotide variant.
Coding change: c.1795C>A on transcript NM_000760.4 (MANE Select); coding-DNA position 1795, C replaced by A.
Protein change: p.His599Asn; replaces histidine 599 with asparagine.
Molecular consequence: missense variant.
Genome position (GRCh38, 1-based): chr1:36,467,891, G>T on the plus strand (C>A on the coding strand, the complement: CSF3R is on the minus strand). VCF-style: chr1-36467891-G-T. GRCh37 (hg19) VCF-style: chr1-36933492-G-T.
Other names: c.1795C>A, p.His599Asn (NM_156039.3, NM_172313.3); short protein forms H599N.
Identifiers: ClinVar variation 1337437 (VCV001337437.9), dbSNP rs750968883, ClinGen allele CA769069.
Genomic context (GRCh38, chr1:36,467,891, plus strand): 5'-AGGTCATCAGGGTGAGGACTGTACTGTTGGTGGCCCCAGCCTGGCTGGCAGCCATGAGGT[G>T]GATGTGATACAGACTGGCGGGCTCCAGGCCATGGAGGACAAAGCCACGGGAGGAGGCATT-3'
Protein context (NP_000751.1, residues 589-609): GLEPASLYHI[His599Asn]LMAASQAGAT

ClinVar aggregate classification (germline): Uncertain significance. Review status: criteria provided, multiple submitters, no conflicts (2 of 4 stars). 2 submissions from 2 submitters: Uncertain significance (2). Last evaluated 2025-05-14.

Conditions:
Autosomal recessive severe congenital neutropenia due to CSF3R deficiency. Also called: Neutropenia, severe congenital, 7, autosomal recessive. Identifiers: Orphanet 420702, MedGen C4310764, MONDO:0014865, OMIM 617014.

Allele frequency attached by ClinVar (database versions not stated): gnomAD 0.00001; TOPMed 0.00004.
gnomAD v4.1: 25 of 1,614,134 alleles (0.0015%); highest among the groups gnomAD compares: Non-Finnish European, 0.0019%; 1 homozygote.

Submissions (2):

Labcorp Genetics (formerly Invitae), Labcorp
Classification: Uncertain significance for Autosomal recessive severe congenital neutropenia due to CSF3R deficiency. Last evaluated: 2025-05-14. Review status: criteria provided, single submitter. Criteria: Invitae Variant Classification Sherloc (09022015). Collection method: clinical testing. Allele origin: germline.
Comment: This sequence change replaces histidine, which is basic and polar, with asparagine, which is neutral and polar, at codon 599 of the CSF3R protein (p.His599Asn). This variant is present in population databases (rs750968883, gnomAD 0.005%). This variant has not been reported in the literature in individuals affected with CSF3R-related conditions. ClinVar contains an entry for this variant (Variation ID: 1337437). Invitae Evidence Modeling of protein sequence and biophysical properties (such as structural, functional, and spatial information, amino acid conservation, physicochemical variation, residue mobility, and thermodynamic stability) indicates that this missense variant is expected to disrupt CSF3R protein function with a positive predictive value of 80%. In summary, the available evidence is currently insufficient to determine the role of this variant in disease. Therefore, it has been classified as a Variant of Uncertain Significance.

Genetic Services Laboratory, University of Chicago
Classification: Uncertain significance. Last evaluated: 2019-10-31. Review status: criteria provided, single submitter. Criteria: ACMG Guidelines, 2015. Collection method: clinical testing. Allele origin: germline. Affected: no.